The following is an entry in ClinVar:

NM_005359.6(SMAD4):c.894del (p.Gly299fs)

Gene: SMAD4 (SMAD family member 4; plus strand). Cytogenetic location: 18q21.2.
Variant type: Deletion.
Coding change: c.894del on transcript NM_005359.6 (MANE Select); coding-DNA position 894, one base deleted (C; older notation c.894delC).
Protein change: p.Gly299fs; shifts the reading frame from glycine 299.
Molecular consequence: frameshift variant.
Genome position (GRCh38, 1-based): chr18:51,058,446, C deleted; the last of 3 consecutive C bases (chr18:51,058,444-51,058,446); deleting any one gives the same sequence. VCF-style (leftmost placement, unchanged base first): chr18-51058443-TC-T. GRCh37 (hg19) VCF-style: chr18-48584813-TC-T.
Other names: short protein forms G299fs.
Identifiers: ClinVar variation 1339744 (VCV001339744.6), dbSNP rs2144429392, ClinGen allele CA2573054676.

ClinVar aggregate classification (germline): Pathogenic/Likely pathogenic. Review status: criteria provided, multiple submitters, no conflicts (2 of 4 stars). 2 submissions from 2 submitters: Pathogenic (1); Likely pathogenic (1). Last evaluated 2022-08-21.

Conditions:
Juvenile polyposis syndrome (JPS). Identifiers: Orphanet 2929, MedGen C0345893, MONDO:0017380, OMIM 174900.

Submissions (2):

Labcorp Genetics (formerly Invitae), Labcorp
Classification: Pathogenic for Juvenile polyposis syndrome. Last evaluated: 2022-08-21. Review status: criteria provided, single submitter. Criteria: Invitae Variant Classification Sherloc (09022015). Collection method: clinical testing. Allele origin: germline.
Comment: This sequence change creates a premature translational stop signal (p.Gly299Aspfs*37) in the SMAD4 gene. It is expected to result in an absent or disrupted protein product. Loss-of-function variants in SMAD4 are known to be pathogenic (PMID: 16152648, 16436638, 22810475). This variant is not present in population databases (gnomAD no frequency). This variant has not been reported in the literature in individuals affected with SMAD4-related conditions. ClinVar contains an entry for this variant (Variation ID: 1339744). For these reasons, this variant has been classified as Pathogenic.

Women's Health and Genetics/Laboratory Corporation of America, LabCorp
Classification: Likely pathogenic for Juvenile polyposis syndrome. Last evaluated: 2022-01-26. Review status: criteria provided, single submitter. Criteria: LabCorp Variant Classification Summary - May 2015. Collection method: clinical testing. Allele origin: germline.
Comment: Variant summary: SMAD4 c.894delC (p.Gly299AspfsX37) results in a premature termination codon, predicted to cause a truncation of the encoded protein or absence of the protein due to nonsense mediated decay, which are commonly known mechanisms for disease. Truncations downstream of this position have been have been reported in patients affected with juvenile polyposis coli (HGMD). The variant was absent in 251444 control chromosomes (gnomAD). To our knowledge, no occurrence of c.894delC in individuals affected with Juvenile Polyposis Syndrome and no experimental evidence demonstrating its impact on protein function have been reported. No clinical diagnostic laboratories have submitted clinical-significance assessments for this variant to ClinVar after 2014. Based on the evidence outlined above, the variant was classified as likely pathogenic.

Literature cited by the submitters: PubMed 16152648 (cited by Labcorp Genetics (formerly Invitae), Labcorp); PubMed 16436638 (cited by Labcorp Genetics (formerly Invitae), Labcorp); PubMed 22810475 (cited by Labcorp Genetics (formerly Invitae), Labcorp).